The following is an entry in ClinVar:

NM_138422.4(ADAT3):c.427C>G (p.Pro143Ala)

Genes: ADAT3 (adenosine deaminase tRNA specific 3; plus strand), SCAMP4 (secretory carrier membrane protein 4; plus strand). Cytogenetic location: 19p13.3.
Variant type: single nucleotide variant.
Coding change: c.427C>G on transcript NM_138422.4 (MANE Select); coding-DNA position 427, C replaced by G.
Protein change: p.Pro143Ala; replaces proline 143 with alanine.
Molecular consequence: missense variant. On other transcripts: intron variant (3).
Genome position (GRCh38, 1-based): chr19:1,912,474, C>G. VCF-style: chr19-1912474-C-G. GRCh37 (hg19) VCF-style: chr19-1912473-C-G.
Other names: c.379C>G, p.Pro127Ala (NM_001329533.2); c.-41-2505C>G (NM_079834.4, NM_001329540.2); c.-125-5220C>G (NM_001329539.2); short protein forms P127A, P143A.
Identifiers: ClinVar variation 1707447 (VCV001707447.1), dbSNP rs2512106937, ClinGen allele CA403171192.

ClinVar aggregate classification (germline): Uncertain significance (1 of 4 stars; one submission).

Conditions:
Intellectual disability-strabismus syndrome (NEDBGF). Also called: NEURODEVELOPMENTAL DISORDER WITH BRAIN ABNORMALITIES, POOR GROWTH, AND DYSMORPHIC FACIES. Identifiers: Orphanet 363528, MedGen C4750838, MONDO:0014119, OMIM 615286.

Submission:

Department of Human Genetics, Hannover Medical School
Classification: Uncertain significance for Intellectual disability-strabismus syndrome. Last evaluated: 2022-09-29. Review status: criteria provided, single submitter. Criteria: ACMG Guidelines, 2015. Collection method: clinical testing. Allele origin: germline. Affected: yes.
Comment: The variant is not yet known in the Clinvar and LOVD variant databases or in the literature. It is also not listed in the population database gnomAD. This missense variant involves an evolutionarily moderately conserved amino acid. The physicochemical difference between the original (proline) and the newly evolved amino acid (alanine) is small. In silico analysis of the variant suggests that it may be a variant of no clinical significance. There are currently too few data available for a conclusive assessment with regard to clinical relevance.